The following is an entry in ClinVar:

NM_000080.4(CHRNE):c.58G>A (p.Gly20Arg)

Genes: C17orf107 (chromosome 17 open reading frame 107; plus strand), CHRNE (cholinergic receptor nicotinic epsilon subunit; minus strand). Cytogenetic location: 17p13.2.
Variant type: single nucleotide variant.
Coding change: c.58G>A on transcript NM_000080.4 (MANE Select); coding-DNA position 58, G replaced by A.
Protein change: p.Gly20Arg; replaces glycine 20 with arginine.
Molecular consequence: missense variant. On other transcripts: 3 prime UTR variant (1).
Genome position (GRCh38, 1-based): chr17:4,902,752, C>T on the plus strand (G>A on the coding strand, the complement: CHRNE is on the minus strand). VCF-style: chr17-4902752-C-T. GRCh37 (hg19) VCF-style: chr17-4806047-C-T.
Other names: c.*2219C>T (NM_001145536.2); short protein forms G20R.
Identifiers: ClinVar variation 1904812 (VCV001904812.3), dbSNP rs1970033314, ClinGen allele CA397307963.

ClinVar aggregate classification (germline): Uncertain significance. Review status: criteria provided, multiple submitters, no conflicts (2 of 4 stars). 2 submissions from 2 submitters: Uncertain significance (2). Last evaluated 2024-08-30.

Conditions:
Congenital myasthenic syndrome 4A. Also called: MYASTHENIC SYNDROME, CONGENITAL, 4A, SLOW-CHANNEL, AUTOSOMAL RECESSIVE; Myasthenic syndrome, congenital, 4a, slow-channel; CONGENITAL MYASTHENIC SYNDROME TYPE Ia1. Identifiers: Orphanet 590, MedGen C4225413, MONDO:0011600, OMIM 605809.

gnomAD v4.1: 2 of 1,614,036 alleles (0.00012%); highest among the groups gnomAD compares: Non-Finnish European, 0.000085%; no homozygotes.

Submissions (2):

Blueprint Genetics
Classification: Uncertain significance. Last evaluated: 2024-08-30. Review status: criteria provided, single submitter. Criteria: ACMG Guidelines, 2015. Collection method: clinical testing. Allele origin: germline.

Labcorp Genetics (formerly Invitae), Labcorp
Classification: Uncertain significance for Congenital myasthenic syndrome 4A. Last evaluated: 2022-06-10. Review status: criteria provided, single submitter. Criteria: Invitae Variant Classification Sherloc (09022015). Collection method: clinical testing. Allele origin: germline.
Comment: This sequence change replaces glycine, which is neutral and non-polar, with arginine, which is basic and polar, at codon 20 of the CHRNE protein (p.Gly20Arg). This variant is not present in population databases (gnomAD no frequency). This variant has not been reported in the literature in individuals affected with CHRNE-related conditions. Advanced modeling of protein sequence and biophysical properties (such as structural, functional, and spatial information, amino acid conservation, physicochemical variation, residue mobility, and thermodynamic stability) performed at Invitae indicates that this missense variant is not expected to disrupt CHRNE protein function. In summary, the available evidence is currently insufficient to determine the role of this variant in disease. Therefore, it has been classified as a Variant of Uncertain Significance.